The following is an entry in ClinVar:

ClinVar aggregate classification (germline): Likely pathogenic (0 of 4 stars; one submission).

Conditions:
RAD21-related disorder. Also called: RAD21- Related disorders; RAD21-related condition.

Submission:

PreventionGenetics, part of Exact Sciences
Classification: Likely pathogenic for RAD21-related condition. Last evaluated: 2023-12-12. Review status: no assertion criteria provided. Collection method: clinical testing. Allele origin: germline.
Comment: The RAD21 c.937+1G>A variant is predicted to disrupt the GT donor site and interfere with normal splicing. To our knowledge, this variant has not been reported in the literature or in a large population database, indicating this variant is rare. Variants that disrupt the consensus splice donor site in RAD21 are expected to be pathogenic. This variant is interpreted as likely pathogenic.

NM_006265.3(RAD21):c.937+1G>A

Gene: RAD21 (RAD21 cohesin complex component; minus strand). Cytogenetic location: 8q24.11.
Variant type: single nucleotide variant.
Coding change: c.937+1G>A on transcript NM_006265.3 (MANE Select); the canonical splice donor site of the intron after coding-DNA position 937, G replaced by A.
Molecular consequence: splice donor variant.
Genome position (GRCh38, 1-based): chr8:116,856,165, C>T on the plus strand (G>A on the coding strand, the complement: RAD21 is on the minus strand). VCF-style: chr8-116856165-C-T. GRCh37 (hg19) VCF-style: chr8-117868404-C-T.
Identifiers: ClinVar variation 3032232 (VCV003032232.2), dbSNP rs2537295426, ClinGen allele CA372002312.